The following is an entry in ClinVar:

ClinVar aggregate classification (germline): Uncertain significance (1 of 4 stars; one submission).

Allele frequency attached by ClinVar (database versions not stated): gnomAD 0.00001; ExAC 0.00002; TOPMed 0.00002.
gnomAD v4.1: 38 of 1,614,090 alleles (0.0024%); highest among the groups gnomAD compares: Admixed American, 0.0067%; no homozygotes.

Submission:

Labcorp Genetics (formerly Invitae), Labcorp
Classification: Uncertain significance. Last evaluated: 2025-10-21. Review status: criteria provided, single submitter. Criteria: Invitae Variant Classification Sherloc (09022015). Collection method: clinical testing. Allele origin: germline.
Comment: This sequence change replaces aspartic acid, which is acidic and polar, with asparagine, which is neutral and polar, at codon 925 of the LCT protein (p.Asp925Asn). This variant is present in population databases (rs200115037, gnomAD 0.06%). This variant has not been reported in the literature in individuals affected with LCT-related conditions. ClinVar contains an entry for this variant (Variation ID: 2075239). Invitae Evidence Modeling of protein sequence and biophysical properties (such as structural, functional, and spatial information, amino acid conservation, physicochemical variation, residue mobility, and thermodynamic stability) indicates that this missense variant is not expected to disrupt LCT protein function with a negative predictive value of 80%. In summary, the available evidence is currently insufficient to determine the role of this variant in disease. Therefore, it has been classified as a Variant of Uncertain Significance.

NM_002299.4(LCT):c.2773G>A (p.Asp925Asn)

Gene: LCT (lactase; minus strand). Cytogenetic location: 2q21.3.
Variant type: single nucleotide variant.
Coding change: c.2773G>A on transcript NM_002299.4 (MANE Select); coding-DNA position 2773, G replaced by A.
Protein change: p.Asp925Asn; replaces aspartic acid 925 with asparagine.
Molecular consequence: missense variant.
Genome position (GRCh38, 1-based): chr2:135,809,574, C>T on the plus strand (G>A on the coding strand, the complement: LCT is on the minus strand). VCF-style: chr2-135809574-C-T. GRCh37 (hg19) VCF-style: chr2-136567144-C-T.
Other names: short protein forms D925N.
Identifiers: ClinVar variation 2075239 (VCV002075239.3), dbSNP rs200115037, ClinGen allele CA1888161.